The following is an entry in ClinVar:

NM_000268.4(NF2):c.1550T>A (p.Leu517His)

Gene: NF2 (NF2, moesin-ezrin-radixin like (MERLIN) tumor suppressor; plus strand). Cytogenetic location: 22q12.2.
Variant type: single nucleotide variant.
Coding change: c.1550T>A on transcript NM_000268.4 (MANE Select); coding-DNA position 1550, T replaced by A.
Protein change: p.Leu517His; replaces leucine 517 with histidine.
Molecular consequence: missense variant. On other transcripts: non-coding transcript variant (1), intron variant (1).
Genome position (GRCh38, 1-based): chr22:29,678,299, T>A. VCF-style: chr22-29678299-T-A. GRCh37 (hg19) VCF-style: chr22-30074288-T-A.
Other names: c.1301T>A, p.Leu434His (NM_181830.3, NM_181831.3); c.1550T>A, p.Leu517His (NM_181832.3, NM_016418.5, NM_181825.3); c.448-16453T>A (NM_181833.3); c.1424T>A, p.Leu475His (NM_181828.3); c.1427T>A, p.Leu476His (NM_181829.3); short protein forms L434H, L476H, L517H, L475H.
Identifiers: ClinVar variation 1407185 (VCV001407185.12), dbSNP rs1556002568, ClinGen allele CA411149763.
Genomic context (GRCh38, chr22:29,678,299, plus strand): 5'-GCTTCAACCTCATTGGTGACAGCCTGTCTTTCGACTTCAAAGATACTGACATGAAGCGGC[T>A]TTCCATGGAGATAGAGAAAGAAAAGTATGTAGCCCCCTGTGCCCTGCTGTGGGCAGCTGT-3'
Protein context (NP_000259.1, residues 507-527): FDFKDTDMKR[Leu517His]SMEIEKEKVE

ClinVar aggregate classification (germline): Uncertain significance (1 of 4 stars; one submission).

Conditions:
Neurofibromatosis, type 2 (SWNV). Also called: BILATERAL ACOUSTIC NEUROFIBROMATOSIS; NF2-Related Schwannomatosis; SCHWANNOMATOSIS, VESTIBULAR. Identifiers: Orphanet 637, MedGen C0027832, MONDO:0007039, OMIM 101000. Disease mechanism: loss of function.

Submission:

Labcorp Genetics (formerly Invitae), Labcorp
Classification: Uncertain significance for Neurofibromatosis, type 2. Last evaluated: 2020-12-15. Review status: criteria provided, single submitter. Criteria: Invitae Variant Classification Sherloc (09022015). Collection method: clinical testing. Allele origin: germline.
Comment: This sequence change replaces leucine with histidine at codon 517 of the NF2 protein (p.Leu517His). The leucine residue is moderately conserved and there is a moderate physicochemical difference between leucine and histidine. This variant is not present in population databases (ExAC no frequency). This variant has not been reported in the literature in individuals with NF2-related conditions. Algorithms developed to predict the effect of missense changes on protein structure and function are either unavailable or do not agree on the potential impact of this missense change (SIFT: "Deleterious"; PolyPhen-2: "Probably Damaging"; Align-GVGD: "Class C0"). In summary, the available evidence is currently insufficient to determine the role of this variant in disease. Therefore, it has been classified as a Variant of Uncertain Significance.